The following is an entry in ClinVar:

ClinVar aggregate classification (germline): Uncertain significance. Review status: criteria provided, multiple submitters, no conflicts (2 of 4 stars). 2 submissions from 2 submitters: Uncertain significance (2). Last evaluated 2023-12-26.

Conditions:
Inborn genetic diseases. Identifiers: MedGen C0950123, MeSH D030342.
Short-rib thoracic dysplasia 8 with or without polydactyly (SRTD8). Also called: SHORT-RIB THORACIC DYSPLASIA 8 WITH POLYDACTYLY. Identifiers: Orphanet 93271, MedGen C3809691, MONDO:0014214, OMIM 615503.

Allele frequency attached by ClinVar (database versions not stated): gnomAD 0.00003 and 0.00004; gnomAD exomes 0.00004; TOPMed 0.00006; ExAC 0.00007; ESP Exome Variant Server 0.00008.
gnomAD v4.1: 49 of 1,613,966 alleles (0.003%); highest among the groups gnomAD compares: African/African-American, 0.0093%; no homozygotes.

Submissions (2):

Labcorp Genetics (formerly Invitae), Labcorp
Classification: Uncertain significance for Short-rib thoracic dysplasia 8 with or without polydactyly. Last evaluated: 2023-12-26. Review status: criteria provided, single submitter. Criteria: Invitae Variant Classification Sherloc (09022015). Collection method: clinical testing. Allele origin: germline.
Comment: This sequence change replaces valine, which is neutral and non-polar, with isoleucine, which is neutral and non-polar, at codon 723 of the WDR60 protein (p.Val723Ile). This variant is present in population databases (rs111510513, gnomAD 0.02%). This variant has not been reported in the literature in individuals affected with WDR60-related conditions. ClinVar contains an entry for this variant (Variation ID: 1680705). An algorithm developed to predict the effect of missense changes on protein structure and function (PolyPhen-2) suggests that this variant¬†is likely to be tolerated. In summary, the available evidence is currently insufficient to determine the role of this variant in disease. Therefore, it has been classified as a Variant of Uncertain Significance.

Ambry Genetics
Classification: Uncertain significance for Inborn genetic diseases. Last evaluated: 2022-01-26. Review status: criteria provided, single submitter. Criteria: Ambry Variant Classification Scheme 2023. Collection method: clinical testing. Allele origin: germline.

NM_018051.5(DYNC2I1):c.2167G>A (p.Val723Ile)

Gene: DYNC2I1 (dynein 2 intermediate chain 1; plus strand). Cytogenetic location: 7q36.3.
Variant type: single nucleotide variant.
Coding change: c.2167G>A on transcript NM_018051.5 (MANE Select); coding-DNA position 2167, G replaced by A.
Protein change: p.Val723Ile; replaces valine 723 with isoleucine.
Molecular consequence: missense variant.
Genome position (GRCh38, 1-based): chr7:158,923,643, G>A. VCF-style: chr7-158923643-G-A. GRCh37 (hg19) VCF-style: chr7-158716334-G-A.
Other names: c.2029G>A, p.Val677Ile (NM_001350914.2); c.1594G>A, p.Val532Ile (NM_001350915.2); c.706G>A, p.Val236Ile (NM_001350916.2); c.919G>A, p.Val307Ile (NM_001350917.2, NM_001350918.2); c.2167G>A (NM_018051.4); short protein forms V236I, V307I, V532I, V677I, V723I.
Identifiers: ClinVar variation 1680705 (VCV001680705.7), dbSNP rs111510513, ClinGen allele CA4594895.